The following is an entry in ClinVar:

ClinVar aggregate classification (germline): Conflicting classifications of pathogenicity. Review status: criteria provided, conflicting classifications (1 of 4 stars). 7 submissions from 6 submitters: Uncertain significance (6); Benign (1). Last evaluated 2026-09-04.

Conditions:
COL11A1-related disorder. Also called: COL11A1-related condition; COL11A1-related disorders.
Fibrochondrogenesis 1 (FBCG1). Identifiers: Orphanet 2021, MedGen C3278138, MONDO:0009226, OMIM 228520.
Stickler syndrome type 2 (STL2). Also called: STICKLER SYNDROME, TYPE II; STICKLER SYNDROME, BEADED VITREOUS TYPE; STICKLER SYNDROME, VITREOUS TYPE 2; COL11A1-Related Stickler Syndrome. Identifiers: Orphanet 828, Orphanet 90654, MedGen C1858084, MONDO:0011493, OMIM 604841.
Inborn genetic diseases. Identifiers: MedGen C0950123, MeSH D030342.

Allele frequency attached by ClinVar (database versions not stated): 1000 Genomes Project 0.00020; ExAC 0.00003; gnomAD exomes 0.00003 and 0.00005; gnomAD 0.00009 and 0.00011; ESP Exome Variant Server 0.00015; 1000 Genomes Project 30x 0.00016; TOPMed 0.00018.
gnomAD v4.1: 61 of 1,613,532 alleles (0.0038%); highest among the groups gnomAD compares: Middle Eastern, 0.033%; no homozygotes.

Submissions (7):

PreventionGenetics, part of Exact Sciences
Classification: Uncertain significance for COL11A1-related condition. Last evaluated: 2026-09-04. Review status: criteria provided, single submitter. Criteria: ACMG Guidelines, 2015. Collection method: clinical testing. Allele origin: germline.
Comment: The COL11A1 c.2453G>A variant is predicted to result in the amino acid substitution p.Arg818Gln. To our knowledge, this variant has not been reported in the literature. This variant is reported in 0.0071% of alleles in individuals of European (Non-Finnish) descent in gnomAD. At this time, the clinical significance of this variant is uncertain due to the absence of conclusive functional and genetic evidence.

Labcorp Genetics (formerly Invitae), Labcorp
Classification: Benign. Last evaluated: 2026-01-27. Review status: criteria provided, single submitter. Criteria: Invitae Variant Classification Sherloc (09022015). Collection method: clinical testing. Allele origin: germline.

Blueprint Genetics
Classification: Uncertain significance. Last evaluated: 2023-12-21. Review status: criteria provided, single submitter. Criteria: ACMG Guidelines, 2015. Collection method: clinical testing. Allele origin: germline.

Ambry Genetics
Classification: Uncertain significance for Inborn genetic diseases. Last evaluated: 2023-12-16. Review status: criteria provided, single submitter. Criteria: Ambry Variant Classification Scheme 2023. Collection method: clinical testing. Allele origin: germline.

GeneDx
Classification: Uncertain significance. Last evaluated: 2020-12-04. Review status: criteria provided, single submitter. Criteria: GeneDx Variant Classification Process June 2021. Collection method: clinical testing. Allele origin: germline. Affected: yes.
Comment: Has not been previously published as pathogenic or benign to our knowledge; In silico analysis supports that this missense variant does not alter protein structure/function

Illumina Laboratory Services, Illumina
Classification: Uncertain significance for Fibrochondrogenesis 1. Last evaluated: 2018-01-13. Review status: criteria provided, single submitter. Criteria: ICSL Variant Classification Criteria 13 December 2019. Collection method: clinical testing. Allele origin: germline.

Illumina Laboratory Services, Illumina
Classification: Uncertain significance for Stickler syndrome type 2. Last evaluated: 2018-01-13. Review status: criteria provided, single submitter. Criteria: ICSL Variant Classification Criteria 13 December 2019. Collection method: clinical testing. Allele origin: germline.

NM_001854.4(COL11A1):c.2453G>A (p.Arg818Gln)

Gene: COL11A1 (collagen type XI alpha 1 chain; minus strand). Cytogenetic location: 1p21.1.
Variant type: single nucleotide variant.
Coding change: c.2453G>A on transcript NM_001854.4 (MANE Select); coding-DNA position 2453, G replaced by A.
Protein change: p.Arg818Gln; replaces arginine 818 with glutamine.
Molecular consequence: missense variant. On other transcripts: non-coding transcript variant (1).
Genome position (GRCh38, 1-based): chr1:102,987,682, C>T on the plus strand (G>A on the coding strand, the complement: COL11A1 is on the minus strand). VCF-style: chr1-102987682-C-T. GRCh37 (hg19) VCF-style: chr1-103453238-C-T.
Other names: c.2336G>A, p.Arg779Gln (NM_001190709.2); c.2489G>A, p.Arg830Gln (NM_080629.3); c.2105G>A, p.Arg702Gln (NM_080630.4); short protein forms R818Q, R702Q, R779Q, R830Q.
Identifiers: ClinVar variation 873960 (VCV000873960.15), dbSNP rs142523692, ClinGen allele CA974429.